The following is an entry in ClinVar:

ClinVar aggregate classification (germline): Uncertain significance (1 of 4 stars; one submission).

Conditions:
Cardiovascular phenotype. Identifiers: MedGen CN230736.

Submission:

Ambry Genetics
Classification: Uncertain significance for Cardiovascular phenotype. Last evaluated: 2026-01-30. Review status: criteria provided, single submitter. Criteria: Ambry Variant Classification Scheme 2023. Collection method: clinical testing. Allele origin: germline.
Comment: The p.E1120V variant (also known as c.3359A>T), located in coding exon 25 of the MYH7 gene, results from an A to T substitution at nucleotide position 3359. The glutamic acid at codon 1120 is replaced by valine, an amino acid with dissimilar properties. This amino acid position is highly conserved in available vertebrate species. In addition, the in silico prediction for this alteration is inconclusive. Based on the available evidence, the clinical significance of this variant remains unclear.

NM_000257.4(MYH7):c.3359A>T (p.Glu1120Val)

Gene: MYH7 (myosin heavy chain 7; minus strand). Cytogenetic location: 14q11.2.
Variant type: single nucleotide variant.
Coding change: c.3359A>T on transcript NM_000257.4 (MANE Select); coding-DNA position 3359, A replaced by T.
Protein change: p.Glu1120Val; replaces glutamic acid 1120 with valine.
Molecular consequence: missense variant.
Genome position (GRCh38, 1-based): chr14:23,420,212, T>A on the plus strand (A>T on the coding strand, the complement: MYH7 is on the minus strand). VCF-style: chr14-23420212-T-A. GRCh37 (hg19) VCF-style: chr14-23889421-T-A.
Other names: c.3359A>T, p.Glu1120Val (NM_001407004.1); short protein forms E1120V.
Identifiers: ClinVar variation 4844332 (VCV004844332.1).
Genomic context (GRCh38, chr14:23,420,212, plus strand): 5'-GACAGGTCTGAGCGCAGCTTCTCCACCTTAGCCCTGGCGGTGCGCTCGGCCTCCAGCTCC[T>A]CCTCCAGCTCCTCGATGCGTGCCTGGTCAGACACAAAGGGCTCAGACCCACCGCCTGGAC-3'
Protein context (NP_000248.2, residues 1110-1130): ELQARIEELE[Glu1120Val]ELEAERTARA